The following is an entry in ClinVar:

NM_001134363.3(RBM20):c.2088del (p.Asn696fs)

Gene: RBM20 (RNA binding motif protein 20; plus strand). Cytogenetic location: 10q25.2.
Variant type: Deletion.
Coding change: c.2088del on transcript NM_001134363.3 (MANE Select); coding-DNA position 2088, one base deleted (C; older notation c.2088delC).
Protein change: p.Asn696fs; shifts the reading frame from asparagine 696.
Molecular consequence: frameshift variant.
Genome position (GRCh38, 1-based): chr10:110,812,485, C deleted. VCF-style (leftmost placement, unchanged base first): chr10-110812484-AC-A. GRCh37 (hg19) VCF-style: chr10-112572242-AC-A.
Other names: short protein forms N696fs.
Identifiers: ClinVar variation 3723598 (VCV003723598.2).

ClinVar aggregate classification (germline): Pathogenic (1 of 4 stars; one submission).

Conditions:
Dilated cardiomyopathy 1DD (CMD1DD). Identifiers: Orphanet 154, MedGen C2750995, MONDO:0013168, OMIM 613172.

Submission:

Labcorp Genetics (formerly Invitae), Labcorp
Classification: Pathogenic for Dilated cardiomyopathy 1DD. Last evaluated: 2025-11-21. Review status: criteria provided, single submitter. Criteria: Invitae Variant Classification Sherloc (09022015). Collection method: clinical testing. Allele origin: germline.
Comment: This sequence change creates a premature translational stop signal (p.Asn696Lysfs*77) in the RBM20 gene. It is expected to result in an absent or disrupted protein product. Loss-of-function variants in RBM20 are known to be pathogenic (PMID: 20590677, 22004663, 38288598, 38510713, 40339755). This variant is not present in population databases (gnomAD no frequency). This variant has not been reported in the literature in individuals affected with RBM20-related conditions. ClinVar contains an entry for this variant (Variation ID: 3723598). For these reasons, this variant has been classified as Pathogenic.

Literature cited by the submitters: PubMed 20590677; PubMed 22004663; PubMed 38288598; PubMed 38510713; PubMed 40339755.